The following is an entry in ClinVar:

NM_182493.3(MYLK3):c.413C>T (p.Ala138Val)

Gene: MYLK3 (myosin light chain kinase 3; minus strand). Cytogenetic location: 16q11.2.
Variant type: single nucleotide variant.
Coding change: c.413C>T on transcript NM_182493.3 (MANE Select); coding-DNA position 413, C replaced by T.
Protein change: p.Ala138Val; replaces alanine 138 with valine.
Molecular consequence: missense variant. On other transcripts: intron variant (1).
Genome position (GRCh38, 1-based): chr16:46,747,781, G>A on the plus strand (C>T on the coding strand, the complement: MYLK3 is on the minus strand). VCF-style: chr16-46747781-G-A. GRCh37 (hg19) VCF-style: chr16-46781693-G-A.
Other names: c.-113-7634C>T (NM_001308301.1); short protein forms A138V.
Identifiers: ClinVar variation 1441040 (VCV001441040.9), dbSNP rs956723382, ClinGen allele CA280241267.
Genomic context (GRCh38, chr16:46,747,781, plus strand): 5'-TCAGGGCTGTCACCTGGGCTGCCTCTCCTCCAGGGCACACGCCCCTGCATGAGGAAATCC[G>A]CCACCTTTGATTTCTGGAACGTGGCCCCCACCAAAGCGATGGCCCTGTCCACCGCAGCCA-3'
Protein context (NP_872299.2, residues 128-148): VGATFQKSKV[Ala138Val]DFLMQGRVPW

ClinVar aggregate classification (germline): Uncertain significance. Review status: criteria provided, multiple submitters, no conflicts (2 of 4 stars). 2 submissions from 2 submitters: Uncertain significance (2). Last evaluated 2025-12-06.

Conditions:
Primary familial dilated cardiomyopathy (FDC). Also called: Hypokinetic dilated cardiomyopathy, familial; Familial dilated cardiomyopathy. Identifiers: Orphanet 217607, MedGen C0340427, MONDO:0016333.

Allele frequency attached by ClinVar (database versions not stated): gnomAD exomes below 0.00001; gnomAD 0.00001; TOPMed 0.00001.
gnomAD v4.1: 22 of 1,614,102 alleles (0.0014%); highest among the groups gnomAD compares: African/African-American, 0.0027%; no homozygotes.

Submissions (2):

Labcorp Genetics (formerly Invitae), Labcorp
Classification: Uncertain significance. Last evaluated: 2025-12-06. Review status: criteria provided, single submitter. Criteria: Invitae Variant Classification Sherloc (09022015). Collection method: clinical testing. Allele origin: germline.
Comment: This sequence change replaces alanine, which is neutral and non-polar, with valine, which is neutral and non-polar, at codon 138 of the MYLK3 protein (p.Ala138Val). This variant is present in population databases (no rsID available, gnomAD 0.004%). This variant has not been reported in the literature in individuals affected with MYLK3-related conditions. ClinVar contains an entry for this variant (Variation ID: 1441040). An algorithm developed to predict the effect of missense changes on protein structure and function outputs the following: PolyPhen-2: "Benign". The valine amino acid residue is found in multiple mammalian species, which suggests that this missense change does not adversely affect protein function. In summary, the available evidence is currently insufficient to determine the role of this variant in disease. Therefore, it has been classified as a Variant of Uncertain Significance.

Clinical Genomics Laboratory, Washington University in St. Louis
Classification: Uncertain significance for familial dilated cardiomyopathy. Last evaluated: 2025-04-25. Review status: criteria provided, single submitter. Criteria: ACMG Guidelines, 2015. Collection method: clinical testing. Allele origin: germline.
Comment: The MYLK3 c.413C>T (p.Ala138Val) variant, to our knowledge, has not been reported in the medical literature. This variant is only observed on 3 out of 282,194 alleles in the general population (gnomAD v2.1.1), indicating it is not a common variant. Computational predictors suggest that the variant does not impact MYLK3 function. This variant has been reported in the ClinVar database as a germline variant of uncertain significance by a single submitter. Due to limited information, the clinical significance of this variant is uncertain.